The following is an entry in ClinVar:

ClinVar aggregate classification (germline): Uncertain significance (1 of 4 stars; one submission).

Submission:

Labcorp Genetics (formerly Invitae), Labcorp
Classification: Uncertain significance. Last evaluated: 2024-01-31. Review status: criteria provided, single submitter. Criteria: Invitae Variant Classification Sherloc (09022015). Collection method: clinical testing. Allele origin: germline.
Comment: This sequence change replaces glycine, which is neutral and non-polar, with aspartic acid, which is acidic and polar, at codon 44 of the RNF113A protein (p.Gly44Asp). This variant is not present in population databases (gnomAD no frequency). This variant has not been reported in the literature in individuals affected with RNF113A-related conditions. Advanced modeling of protein sequence and biophysical properties (such as structural, functional, and spatial information, amino acid conservation, physicochemical variation, residue mobility, and thermodynamic stability) performed at Invitae indicates that this missense variant is not expected to disrupt RNF113A protein function with a negative predictive value of 80%. In summary, the available evidence is currently insufficient to determine the role of this variant in disease. Therefore, it has been classified as a Variant of Uncertain Significance.

NM_006978.3(RNF113A):c.131G>A (p.Gly44Asp)

Genes: RNF113A (ring finger protein 113A; minus strand), LOC130068621 (ATAC-STARR-seq lymphoblastoid active region 29902; plus strand). Cytogenetic location: Xq24.
Variant type: single nucleotide variant.
Coding change: c.131G>A on transcript NM_006978.3 (MANE Select); coding-DNA position 131, G replaced by A.
Protein change: p.Gly44Asp; replaces glycine 44 with aspartic acid.
Molecular consequence: missense variant.
Genome position (GRCh38, 1-based): chrX:119,871,483, C>T on the plus strand (G>A on the coding strand, the complement: RNF113A is on the minus strand). VCF-style: chrX-119871483-C-T. GRCh37 (hg19) VCF-style: chrX-119005446-C-T.
Other names: short protein forms G44D.
Identifiers: ClinVar variation 3012596 (VCV003012596.3), dbSNP rs2521609012, ClinGen allele CA414189246.